The following is an entry in ClinVar:

ClinVar aggregate classification (germline): Uncertain significance. Review status: criteria provided, multiple submitters, no conflicts (2 of 4 stars). 2 submissions from 2 submitters: Uncertain significance (2). Last evaluated 2025-11-22.

Conditions:
Hereditary cancer-predisposing syndrome. Also called: Neoplastic Syndromes, Hereditary; Tumor predisposition; Hereditary neoplastic syndrome; Hereditary Cancer Syndrome. Identifiers: Orphanet 140162, MedGen C0027672, MeSH D009386, MONDO:0015356.

Submissions (2):

Labcorp Genetics (formerly Invitae), Labcorp
Classification: Uncertain significance. Last evaluated: 2025-11-22. Review status: criteria provided, single submitter. Criteria: Invitae Variant Classification Sherloc (09022015). Collection method: clinical testing. Allele origin: germline.
Comment: This sequence change replaces proline, which is neutral and non-polar, with leucine, which is neutral and non-polar, at codon 642 of the POLE protein (p.Pro642Leu). This variant is not present in population databases (gnomAD no frequency). This variant has not been reported in the literature in individuals affected with POLE-related conditions. ClinVar contains an entry for this variant (Variation ID: 3645947). An algorithm developed to predict the effect of missense changes on protein structure and function (PolyPhen-2) suggests that this variant is likely to be disruptive. In summary, the available evidence is currently insufficient to determine the role of this variant in disease. Therefore, it has been classified as a Variant of Uncertain Significance.

Ambry Genetics
Classification: Uncertain significance for Hereditary cancer-predisposing syndrome. Last evaluated: 2025-08-05. Review status: criteria provided, single submitter. Criteria: Ambry Variant Classification Scheme 2023. Collection method: clinical testing. Allele origin: germline.
Comment: The p.P642L variant (also known as c.1925C>T), located in coding exon 18 of the POLE gene, results from a C to T substitution at nucleotide position 1925. The proline at codon 642 is replaced by leucine, an amino acid with similar properties. This amino acid position is conserved. In addition, the in silico prediction for this alteration is inconclusive. Based on the available evidence, the clinical significance of this variant remains unclear.

NM_006231.4(POLE):c.1925C>T (p.Pro642Leu)

Gene: POLE (DNA polymerase epsilon, catalytic subunit; minus strand). Cytogenetic location: 12q24.33.
Variant type: single nucleotide variant.
Coding change: c.1925C>T on transcript NM_006231.4 (MANE Select); coding-DNA position 1925, C replaced by T.
Protein change: p.Pro642Leu; replaces proline 642 with leucine.
Molecular consequence: missense variant.
Genome position (GRCh38, 1-based): chr12:132,668,736, G>A on the plus strand (C>T on the coding strand, the complement: POLE is on the minus strand). VCF-style: chr12-132668736-G-A. GRCh37 (hg19) VCF-style: chr12-133245322-G-A.
Other names: c.1925C>T (NM_006231.2); short protein forms P642L.
Identifiers: ClinVar variation 3645947 (VCV003645947.3).